The following is an entry in ClinVar:

ClinVar aggregate classification (germline): Uncertain significance (1 of 4 stars; one submission).

Conditions:
SEMA3F-related disorder. Also called: SEMA3F-related condition.

gnomAD v4.1: 13 of 1,614,132 alleles (0.00081%); highest among the groups gnomAD compares: South Asian, 0.0022%; no homozygotes.

Submission:

PreventionGenetics, part of Exact Sciences
Classification: Uncertain significance for SEMA3F-related condition. Last evaluated: 2025-12-28. Review status: criteria provided, single submitter. Criteria: ACMG Guidelines, 2015. Collection method: clinical testing. Allele origin: germline.
Comment: The SEMA3F c.1384C>T variant is predicted to result in the amino acid substitution p.Arg462Cys. To our knowledge, this variant has not been reported in the literature. This variant is reported in 0.012% of alleles in individuals of African descent in gnomAD. At this time, the clinical significance of this variant is uncertain due to the absence of conclusive functional and genetic evidence.

NM_004186.5(SEMA3F):c.1384C>T (p.Arg462Cys)

Gene: SEMA3F (semaphorin 3F; plus strand). Cytogenetic location: 3p21.31.
Variant type: single nucleotide variant.
Coding change: c.1384C>T on transcript NM_004186.5 (MANE Select); coding-DNA position 1384, C replaced by T.
Protein change: p.Arg462Cys; replaces arginine 462 with cysteine.
Molecular consequence: missense variant.
Genome position (GRCh38, 1-based): chr3:50,184,742, C>T. VCF-style: chr3-50184742-C-T. GRCh37 (hg19) VCF-style: chr3-50222175-C-T.
Other names: c.1087C>T, p.Arg363Cys (NM_001318798.2); c.1291C>T, p.Arg431Cys (NM_001318800.2); short protein forms R363C, R431C, R462C.
Identifiers: ClinVar variation 4985775 (VCV004985775.1).